The following is an entry in ClinVar:

NM_001348716.2(KDM6B):c.4132C>T (p.Leu1378=)

Genes: KDM6B (lysine demethylase 6B; plus strand), LOC121587574 (Sharpr-MPRA regulatory region 3930; plus strand). Cytogenetic location: 17p13.1.
Variant type: single nucleotide variant.
Coding change: c.4132C>T on transcript NM_001348716.2 (MANE Select); coding-DNA position 4132, C replaced by T.
Protein change: p.Leu1378=; no amino-acid change (leucine 1378 retained).
Molecular consequence: synonymous variant.
Genome position (GRCh38, 1-based): chr17:7,851,763, C>T. VCF-style: chr17-7851763-C-T. GRCh37 (hg19) VCF-style: chr17-7755081-C-T.
Other names: c.4132C>T, p.Leu1378= (NM_001080424.2).
Identifiers: ClinVar variation 5040642 (VCV005040642.1).
Genomic context (GRCh38, chr17:7,851,763, plus strand): 5'-TCCACGGGCAACATGCTGAGCCACGTGGGCCACACCATCCTGGGCATGAACACGGTGCAG[C>T]TGTACATGAAGGTGCCCGGCAGCCGAACGCCAGGTGCGCTCCACGCCTGTGCGCGCTGAT-3'
Protein context (NP_001335645.1, residues 1368-1388): HTILGMNTVQ[Leu1378=]YMKVPGSRTP

ClinVar aggregate classification (germline): Uncertain significance (1 of 4 stars; one submission).

Submission:

CeGaT Center for Human Genetics Tuebingen
Classification: Uncertain significance. Last evaluated: 2026-08-01. Review status: criteria provided, single submitter. Criteria: CeGaT Center For Human Genetics Tuebingen Variant Classification Criteria Version 2. Collection method: clinical testing. Allele origin: germline. Affected: yes. Observed: 1 variant allele.
Comment: KDM6B: PM2:Supporting, BP4